The following is an entry in ClinVar:

ClinVar aggregate classification (germline): Uncertain significance (1 of 4 stars; one submission).

Conditions:
Early-infantile DEE. Also called: Early infantile epileptic encephalopathy; Early infantile epileptic encephalopathy with suppression bursts; Ohtahara syndrome. Identifiers: Orphanet 1934, MedGen C0393706, MONDO:0800491.

Submission:

Labcorp Genetics (formerly Invitae), Labcorp
Classification: Uncertain significance for Early-infantile DEE. Last evaluated: 2022-03-03. Review status: criteria provided, single submitter. Criteria: Invitae Variant Classification Sherloc (09022015). Collection method: clinical testing. Allele origin: germline.
Comment: This variant has not been reported in the literature in individuals affected with SCN8A-related conditions. This variant is not present in population databases (gnomAD no frequency). This sequence change replaces aspartic acid, which is acidic and polar, with alanine, which is neutral and non-polar, at codon 1863 of the SCN8A protein (p.Asp1863Ala). Algorithms developed to predict the effect of missense changes on protein structure and function are either unavailable or do not agree on the potential impact of this missense change (SIFT: "Deleterious"; PolyPhen-2: "Probably Damaging"; Align-GVGD: "Class C0"). In summary, the available evidence is currently insufficient to determine the role of this variant in disease. Therefore, it has been classified as a Variant of Uncertain Significance.

NM_001330260.2(SCN8A):c.5588A>C (p.Asp1863Ala)

Gene: SCN8A (sodium voltage-gated channel alpha subunit 8; plus strand). Cytogenetic location: 12q13.13.
Variant type: single nucleotide variant.
Coding change: c.5588A>C on transcript NM_001330260.2 (MANE Select); coding-DNA position 5588, A replaced by C.
Protein change: p.Asp1863Ala; replaces aspartic acid 1863 with alanine.
Molecular consequence: missense variant.
Genome position (GRCh38, 1-based): chr12:51,807,074, A>C. VCF-style: chr12-51807074-A-C. GRCh37 (hg19) VCF-style: chr12-52200858-A-C.
Other names: c.5465A>C, p.Asp1822Ala (NM_001177984.3, NM_001369788.1); c.5588A>C, p.Asp1863Ala (NM_014191.4); short protein forms D1863A, D1822A.
Identifiers: ClinVar variation 1346990 (VCV001346990.9), dbSNP rs2138944062, ClinGen allele CA384887820.